The following is an entry in ClinVar:

NM_000350.3(ABCA4):c.1892G>A (p.Gly631Glu)

Gene: ABCA4 (ATP binding cassette subfamily A member 4; minus strand). Cytogenetic location: 1p22.1.
Variant type: single nucleotide variant.
Coding change: c.1892G>A on transcript NM_000350.3 (MANE Select); coding-DNA position 1892, G replaced by A.
Protein change: p.Gly631Glu; replaces glycine 631 with glutamic acid.
Molecular consequence: missense variant.
Genome position (GRCh38, 1-based): chr1:94,062,622, C>T on the plus strand (G>A on the coding strand, the complement: ABCA4 is on the minus strand). VCF-style: chr1-94062622-C-T. GRCh37 (hg19) VCF-style: chr1-94528178-C-T.
Other names: c.1892G>A, p.Gly631Glu (NM_001425324.1); short protein forms G631E.
Identifiers: ClinVar variation 2840238 (VCV002840238.3), dbSNP rs1360564195, ClinGen allele CA341279309.

ClinVar aggregate classification (germline): Pathogenic (1 of 4 stars; one submission).

Allele frequency attached by ClinVar (database versions not stated): gnomAD exomes below 0.00001.
gnomAD v4.1: 2 of 1,613,892 alleles (0.00012%); highest among the groups gnomAD compares: Non-Finnish European, 0.00017%; no homozygotes.

Submission:

Labcorp Genetics (formerly Invitae), Labcorp
Classification: Pathogenic. Last evaluated: 2024-01-02. Review status: criteria provided, single submitter. Criteria: Invitae Variant Classification Sherloc (09022015). Collection method: clinical testing. Allele origin: germline.
Comment: This sequence change replaces glycine, which is neutral and non-polar, with glutamic acid, which is acidic and polar, at codon 631 of the ABCA4 protein (p.Gly631Glu). This variant is not present in population databases (gnomAD no frequency). This missense change has been observed in individual(s) with Stargardt disease (Invitae). Advanced modeling of protein sequence and biophysical properties (such as structural, functional, and spatial information, amino acid conservation, physicochemical variation, residue mobility, and thermodynamic stability) performed at Invitae indicates that this missense variant is expected to disrupt ABCA4 protein function with a positive predictive value of 95%. This variant disrupts the p.Gly631Val amino acid residue in ABCA4. Other variant(s) that disrupt this residue have been determined to be pathogenic (PMID: 31543898, 32845068, 33301772). This suggests that this residue is clinically significant, and that variants that disrupt this residue are likely to be disease-causing. For these reasons, this variant has been classified as Pathogenic.

Literature cited by the submitters: PubMed 31543898; PubMed 32845068; PubMed 33301772.